The following is an entry in ClinVar:

ClinVar aggregate classification (germline): Uncertain significance (1 of 4 stars; one submission).

Conditions:
Symmetrical dyschromatosis of extremities (DSH). Also called: Dyschromatosis symmetrica hereditaria; DYSCHROMATOSIS SYMMETRICA HEREDITARIA 1; RETICULATE ACROPIGMENTATION OF DOHI; SYMMETRIC DYSCHROMATOSIS OF THE EXTREMITIES. Identifiers: Orphanet 41, MedGen C0406775, MONDO:0007483, OMIM 127400.
Aicardi-Goutieres syndrome 6 (AGS6). Identifiers: Orphanet 51, MedGen C3539013, MONDO:0014007, OMIM 615010.

Submission:

Labcorp Genetics (formerly Invitae), Labcorp
Classification: Uncertain significance for Aicardi-Goutieres syndrome 6; Symmetrical dyschromatosis of extremities. Last evaluated: 2023-08-17. Review status: criteria provided, single submitter. Criteria: Invitae Variant Classification Sherloc (09022015). Collection method: clinical testing. Allele origin: germline.
Comment: In summary, the available evidence is currently insufficient to determine the role of this variant in disease. Therefore, it has been classified as a Variant of Uncertain Significance. An algorithm developed to predict the effect of missense changes on protein structure and function (PolyPhen-2) suggests that this variant is likely to be disruptive. ClinVar contains an entry for this variant (Variation ID: 1479344). This variant has not been reported in the literature in individuals affected with ADAR-related conditions. Information on the frequency of this variant in the gnomAD database is not available, as this variant may be reported differently in the database. This sequence change replaces arginine with tyrosine at codon 1032 of the ADAR protein (p.Arg1032Tyr). The arginine residue is highly conserved and there is a moderate physicochemical difference between arginine and tyrosine.

NM_001111.5(ADAR):c.3094_3095delinsTA (p.Arg1032Tyr)

Gene: ADAR (adenosine deaminase RNA specific; minus strand). Cytogenetic location: 1q21.3.
Variant type: Indel.
Coding change: c.3094_3095delinsTA on transcript NM_001111.5 (MANE Select); coding-DNA positions 3094 to 3095, CG replaced by TA.
Protein change: p.Arg1032Tyr; replaces arginine 1032 with tyrosine.
Molecular consequence: missense variant.
Genome position (GRCh38, 1-based): chr1:154,586,288-154,586,289, CG replaced by TA on the plus strand (CG replaced by TA on the coding strand, the reverse complement: ADAR is on the minus strand). VCF-style: chr1-154586288-CG-TA. GRCh37 (hg19) VCF-style: chr1-154558764-CG-TA.
Other names: c.2209_2210delinsTA, p.Arg737Tyr (NM_001025107.3, NM_001193495.2, NM_001365046.1 and 2 more transcripts); c.3121_3122delinsTA, p.Arg1041Tyr (NM_001365045.1); c.2131_2132delinsTA, p.Arg711Tyr (NM_001365049.1); c.3016_3017delinsTA, p.Arg1006Tyr (NM_015840.4); c.2959_2960delinsTA, p.Arg987Tyr (NM_015841.4); short protein forms R1006Y, R1032Y, R1041Y, R711Y, R737Y, R987Y.
Identifiers: ClinVar variation 1479344 (VCV001479344.6), dbSNP rs2101566531, ClinGen allele CA2573130527.